The following is an entry in ClinVar:

NM_004260.4(RECQL4):c.3175G>A (p.Val1059Met)

Gene: RECQL4 (RecQ like helicase 4; minus strand). Cytogenetic location: 8q24.3.
Variant type: single nucleotide variant.
Coding change: c.3175G>A on transcript NM_004260.4 (MANE Select); coding-DNA position 3175, G replaced by A.
Protein change: p.Val1059Met; replaces valine 1059 with methionine.
Molecular consequence: missense variant.
Genome position (GRCh38, 1-based): chr8:144,512,205, C>T on the plus strand (G>A on the coding strand, the complement: RECQL4 is on the minus strand). VCF-style: chr8-144512205-C-T. GRCh37 (hg19) VCF-style: chr8-145737588-C-T.
Other names: short protein forms V1059M.
Identifiers: ClinVar variation 960015 (VCV000960015.5), dbSNP rs749717457, ClinGen allele CA4947897.

ClinVar aggregate classification (germline): Uncertain significance (1 of 4 stars; one submission).

Conditions:
Baller-Gerold syndrome (BGS). Also called: CRANIOSYNOSTOSIS WITH RADIAL DEFECTS. Identifiers: Orphanet 1225, MedGen C0265308, MONDO:0009039, OMIM 218600.

Allele frequency attached by ClinVar (database versions not stated): gnomAD exomes 0.00001; ExAC 0.00003.

Submission:

Labcorp Genetics (formerly Invitae), Labcorp
Classification: Uncertain significance for Baller-Gerold syndrome. Last evaluated: 2022-11-25. Review status: criteria provided, single submitter. Criteria: Invitae Variant Classification Sherloc (09022015). Collection method: clinical testing. Allele origin: germline.
Comment: This sequence change replaces valine, which is neutral and non-polar, with methionine, which is neutral and non-polar, at codon 1059 of the RECQL4 protein (p.Val1059Met). This variant is present in population databases (rs749717457, gnomAD 0.007%). This variant has not been reported in the literature in individuals affected with RECQL4-related conditions. ClinVar contains an entry for this variant (Variation ID: 960015). Advanced modeling of protein sequence and biophysical properties (such as structural, functional, and spatial information, amino acid conservation, physicochemical variation, residue mobility, and thermodynamic stability) performed at Invitae indicates that this missense variant is expected to disrupt RECQL4 protein function. In summary, the available evidence is currently insufficient to determine the role of this variant in disease. Therefore, it has been classified as a Variant of Uncertain Significance.